The following is an entry in ClinVar:

ClinVar aggregate classification (germline): Uncertain significance (1 of 4 stars; one submission).

Conditions:
Charcot-Marie-Tooth disease axonal type 2O. Also called: CHARCOT-MARIE-TOOTH NEUROPATHY, AXONAL, TYPE 2O; CHARCOT-MARIE-TOOTH DISEASE, AXONAL, AUTOSOMAL DOMINANT, TYPE 2O; Charcot-Marie-Tooth Neuropathy Type 2O; Charcot-Marie-Tooth disease, axonal, type 20. Identifiers: Orphanet 284232, MedGen C3280220, MONDO:0013644, OMIM 614228.

Allele frequency attached by ClinVar (database versions not stated): gnomAD exomes below 0.00001.
gnomAD v4.1: 2 of 1,614,208 alleles (0.00012%); highest among the groups gnomAD compares: East Asian, 0.0022%; no homozygotes.

Submission:

Labcorp Genetics (formerly Invitae), Labcorp
Classification: Uncertain significance for Charcot-Marie-Tooth disease axonal type 2O. Last evaluated: 2025-04-14. Review status: criteria provided, single submitter. Criteria: Invitae Variant Classification Sherloc (09022015). Collection method: clinical testing. Allele origin: germline.
Comment: This sequence change replaces valine, which is neutral and non-polar, with isoleucine, which is neutral and non-polar, at codon 668 of the DYNC1H1 protein (p.Val668Ile). This variant is present in population databases (no rsID available, gnomAD 0.0009%). This variant has not been reported in the literature in individuals affected with DYNC1H1-related conditions. ClinVar contains an entry for this variant (Variation ID: 972529). Invitae Evidence Modeling of protein sequence and biophysical properties (such as structural, functional, and spatial information, amino acid conservation, physicochemical variation, residue mobility, and thermodynamic stability) has been performed for this missense variant. However, the output from this modeling did not meet the statistical confidence thresholds required to predict the impact of this variant on DYNC1H1 protein function. In summary, the available evidence is currently insufficient to determine the role of this variant in disease. Therefore, it has been classified as a Variant of Uncertain Significance.

NM_001376.5(DYNC1H1):c.2002G>A (p.Val668Ile)

Gene: DYNC1H1 (dynein cytoplasmic 1 heavy chain 1; plus strand). Cytogenetic location: 14q32.31.
Variant type: single nucleotide variant.
Coding change: c.2002G>A on transcript NM_001376.5 (MANE Select); coding-DNA position 2002, G replaced by A.
Protein change: p.Val668Ile; replaces valine 668 with isoleucine.
Molecular consequence: missense variant.
Genome position (GRCh38, 1-based): chr14:101,986,227, G>A. VCF-style: chr14-101986227-G-A. GRCh37 (hg19) VCF-style: chr14-102452564-G-A.
Other names: short protein forms V668I.
Identifiers: ClinVar variation 972529 (VCV000972529.10), dbSNP rs1406149790, ClinGen allele CA391020243.